The following is an entry in ClinVar:

ClinVar aggregate classification (germline): Likely benign (1 of 4 stars; one submission).

Allele frequency attached by ClinVar (database versions not stated): 1000 Genomes Project 30x 0.00312; 1000 Genomes Project 0.00319; ESP Exome Variant Server 0.00392; TOPMed 0.00424; gnomAD 0.00561; ExAC 0.00635; gnomAD exomes 0.00644.
gnomAD v4.1: 10,258 of 1,613,938 alleles (0.64%); highest among the groups gnomAD compares: Non-Finnish European, 0.67%; 56 homozygotes.

Submission:

CeGaT Center for Human Genetics Tuebingen
Classification: Likely benign. Last evaluated: 2022-11-01. Review status: criteria provided, single submitter. Criteria: CeGaT Center For Human Genetics Tuebingen Variant Classification Criteria Version 2. Collection method: clinical testing. Allele origin: germline. Affected: yes. Observed: 1 variant allele.
Comment: ZNF91: BP4, BS2

NM_003430.4(ZNF91):c.544T>C (p.Phe182Leu)

Gene: ZNF91 (zinc finger protein 91; minus strand). Cytogenetic location: 19p12.
Variant type: single nucleotide variant.
Coding change: c.544T>C on transcript NM_003430.4 (MANE Select); coding-DNA position 544, T replaced by C.
Protein change: p.Phe182Leu; replaces phenylalanine 182 with leucine.
Molecular consequence: missense variant.
Genome position (GRCh38, 1-based): chr19:23,362,435, A>G on the plus strand (T>C on the coding strand, the complement: ZNF91 is on the minus strand). VCF-style: chr19-23362435-A-G. GRCh37 (hg19) VCF-style: chr19-23545237-A-G.
Other names: c.448T>C, p.Phe150Leu (NM_001300951.2); short protein forms F150L, F182L.
Identifiers: ClinVar variation 2649663 (VCV002649663.24), dbSNP rs117266186, ClinGen allele CA9348220.